The following is an entry in ClinVar:

ClinVar aggregate classification (germline): Pathogenic (1 of 4 stars; one submission).

Conditions:
Childhood apraxia of speech (SPCH1). Also called: FOXP2-Related Speech and Language Disorder; DEVELOPMENTAL VERBAL DYSPRAXIA; Speech language disorder; SPEECH AND LANGUAGE DISORDER WITH OROFACIAL DYSPRAXIA. Identifiers: Orphanet 209908, MedGen C0750927, MONDO:0011184, OMIM 602081.

Submission:

Victorian Clinical Genetics Services, Murdoch Childrens Research Institute
Classification: Pathogenic for Childhood apraxia of speech. Last evaluated: 2026-07-07. Review status: criteria provided, single submitter. Criteria: ACMG Guidelines, 2015. Collection method: clinical testing. Allele origin: germline. Affected: yes.
Comment: This variant is classified as Pathogenic. Evidence in support of pathogenic classification: This variant is predicted to cause nonsense-mediated decay (NMD) and loss of protein (premature termination codon is located at least 54 nucleotides upstream of the final exon-exon junction); This variant is absent from gnomAD v4; Other variants comparable to the one identified in this case have very strong previous evidence for pathogenicity (DECIPHER). Additional information: This variant is heterozygous; This gene is associated with autosomal dominant disease; Loss of function is a known mechanism of disease in this gene and is associated with speech-language disorder-1 (MIM#602081).

NM_014491.4(FOXP2):c.331C>T (p.Gln111Ter)

Gene: FOXP2 (forkhead box P2; plus strand). Cytogenetic location: 7q31.1.
Variant type: single nucleotide variant.
Coding change: c.331C>T on transcript NM_014491.4 (MANE Select); coding-DNA position 331, C replaced by T.
Protein change: p.Gln111Ter; replaces glutamine 111 with a stop codon.
Molecular consequence: nonsense. On other transcripts: non-coding transcript variant (2).
Genome position (GRCh38, 1-based): chr7:114,628,612, C>T. VCF-style: chr7-114628612-C-T. GRCh37 (hg19) VCF-style: chr7-114268667-C-T.
Other names: c.331C>T, p.Gln111Ter (NM_001172766.3, NM_148899.3, NM_148900.4); c.406C>T, p.Gln136Ter (NM_001172767.2, NM_148898.4); short protein forms Q111*, Q136*.
Identifiers: ClinVar variation 4879749 (VCV004879749.1).